The following is an entry in ClinVar:

NM_152564.5(VPS13B):c.4934G>A (p.Trp1645Ter)

Gene: VPS13B (vacuolar protein sorting 13 homolog B; plus strand). Cytogenetic location: 8q22.2.
Variant type: single nucleotide variant.
Coding change: c.4934G>A on transcript NM_152564.5 (MANE Select); coding-DNA position 4934, G replaced by A.
Protein change: p.Trp1645Ter; replaces tryptophan 1645 with a stop codon.
Molecular consequence: nonsense.
Genome position (GRCh38, 1-based): chr8:99,556,638, G>A. VCF-style: chr8-99556638-G-A. GRCh37 (hg19) VCF-style: chr8-100568866-G-A.
Other names: c.5009G>A, p.Trp1670Ter (NM_017890.5); short protein forms W1645*, W1670*.
Identifiers: ClinVar variation 2757080 (VCV002757080.3), dbSNP rs2490790158, ClinGen allele CA371869831.

ClinVar aggregate classification (germline): Pathogenic (1 of 4 stars; one submission).

Conditions:
Cohen syndrome (COH1). Also called: PEPPER SYNDROME; Cutis verticis gyrata, retinitis pigmentosa, and sensorineural deafness. Identifiers: Orphanet 193, MedGen C0265223, MONDO:0008999, OMIM 216550.

Submission:

Labcorp Genetics (formerly Invitae), Labcorp
Classification: Pathogenic for Cohen syndrome. Last evaluated: 2023-08-17. Review status: criteria provided, single submitter. Criteria: Invitae Variant Classification Sherloc (09022015). Collection method: clinical testing. Allele origin: germline.
Comment: For these reasons, this variant has been classified as Pathogenic. This variant has not been reported in the literature in individuals affected with VPS13B-related conditions. This variant is not present in population databases (gnomAD no frequency). This sequence change creates a premature translational stop signal (p.Trp1670*) in the VPS13B gene. It is expected to result in an absent or disrupted protein product. Loss-of-function variants in VPS13B are known to be pathogenic (PMID: 15141358, 16648375, 20461111).

Literature cited by the submitters: PubMed 15141358; PubMed 16648375; PubMed 20461111.